The following is an entry in ClinVar:

NM_032436.4(CHAMP1):c.498G>T (p.Glu166Asp)

Gene: CHAMP1 (chromosome alignment maintaining phosphoprotein 1; plus strand). Cytogenetic location: 13q34.
Variant type: single nucleotide variant.
Coding change: c.498G>T on transcript NM_032436.4 (MANE Select); coding-DNA position 498, G replaced by T.
Protein change: p.Glu166Asp; replaces glutamic acid 166 with aspartic acid.
Molecular consequence: missense variant.
Genome position (GRCh38, 1-based): chr13:114,324,340, G>T. VCF-style: chr13-114324340-G-T. GRCh37 (hg19) VCF-style: chr13-115089815-G-T.
Other names: c.498G>T, p.Glu166Asp (NM_001164144.3, NM_001164145.3); short protein forms E166D.
Identifiers: ClinVar variation 4873966 (VCV004873966.2).

ClinVar aggregate classification (germline): Uncertain significance (1 of 4 stars; one submission).

Submission:

CeGaT Center for Human Genetics Tuebingen
Classification: Uncertain significance. Last evaluated: 2026-06-01. Review status: criteria provided, single submitter. Criteria: CeGaT Center For Human Genetics Tuebingen Variant Classification Criteria Version 2. Collection method: clinical testing. Allele origin: germline. Affected: yes. Observed: 1 variant allele.
Comment: CHAMP1: PM2, BP4